The following is an entry in ClinVar:

NM_001081.4(CUBN):c.1604A>G (p.Tyr535Cys)

Gene: CUBN (cubilin; minus strand). Cytogenetic location: 10p13.
Variant type: single nucleotide variant.
Coding change: c.1604A>G on transcript NM_001081.4 (MANE Select); coding-DNA position 1604, A replaced by G.
Protein change: p.Tyr535Cys; replaces tyrosine 535 with cysteine.
Molecular consequence: missense variant.
Genome position (GRCh38, 1-based): chr10:17,100,166, T>C on the plus strand (A>G on the coding strand, the complement: CUBN is on the minus strand). VCF-style: chr10-17100166-T-C. GRCh37 (hg19) VCF-style: chr10-17142165-T-C.
Other names: short protein forms Y535C.
Identifiers: ClinVar variation 299524 (VCV000299524.11), dbSNP rs139848689, ClinGen allele CA5425235.

ClinVar aggregate classification (germline): Uncertain significance. Review status: criteria provided, multiple submitters, no conflicts (2 of 4 stars). 4 submissions from 4 submitters: Uncertain significance (4). Last evaluated 2025-12-17.

Conditions:
Imerslund-Grasbeck syndrome type 1 (IGS1). Also called: Megaloblastic anemia 1, Finnish type; MEGALOBLASTIC ANEMIA, 1; Imerslund-Gräsbeck syndrome 1. Identifiers: MedGen C4016819, MONDO:0100156, OMIM 261100.
Proteinuria, chronic benign. Identifiers: MedGen C5394384, MONDO:0030042, OMIM 618884.
Imerslund-Grasbeck syndrome. Also called: ENTEROCYTE COBALAMIN MALABSORPTION; ENTEROCYTE INTRINSIC FACTOR RECEPTOR, DEFECT OF; Imerslund-Gräsbeck syndrome; PERNICIOUS ANEMIA, JUVENILE, DUE TO SELECTIVE INTESTINAL MALABSORPTION OF VITAMIN B12, WITH PROTEINURIA; Megaloblastic anemia due to inborn errors of metabolism. Identifiers: Orphanet 35858, MedGen C4551825, MONDO:0009853.

Allele frequency attached by ClinVar (database versions not stated): gnomAD 0.00014 and 0.00016; gnomAD exomes 0.00014 and 0.00021; TOPMed 0.00015; ExAC 0.00020; ESP Exome Variant Server 0.00038.
gnomAD v4.1: 237 of 1,613,980 alleles (0.015%); highest among the groups gnomAD compares: Middle Eastern, 0.066%; 1 homozygote.

Submissions (4):

Clinical Genomics Laboratory, Washington University in St. Louis
Classification: Uncertain significance for Proteinuria, chronic benign; Imerslund-Grasbeck syndrome type 1. Last evaluated: 2025-12-17. Review status: criteria provided, single submitter. Criteria: ACMG Guidelines, 2015. Collection method: clinical testing. Allele origin: germline.
Comment: A CUBN c.1604A>G (p.Tyr535Cys) variant was identified in a heterozygous state. This variant, to our knowledge, has not been reported in the medical literature. It has been reported in the ClinVar database as a germline variant of uncertain significance by three submitters (Variation ID: 299524). It is observed on 54/282,632 alleles in the general population (gnomAD v2.1.1). Computational predictors are uncertain as to the impact of this variant on CUBN function. Due to limited information, and based on ACMG/AMP guidelines for variant interpretation (Richards S et al., PMID: 25741868), the clinical significance of this variant is uncertain at this time.

Labcorp Genetics (formerly Invitae), Labcorp
Classification: Uncertain significance for Imerslund-Grasbeck syndrome. Last evaluated: 2024-12-09. Review status: criteria provided, single submitter. Criteria: Invitae Variant Classification Sherloc (09022015). Collection method: clinical testing. Allele origin: germline.
Comment: This sequence change replaces tyrosine, which is neutral and polar, with cysteine, which is neutral and slightly polar, at codon 535 of the CUBN protein (p.Tyr535Cys). This variant is present in population databases (rs139848689, gnomAD 0.06%). This variant has not been reported in the literature in individuals affected with CUBN-related conditions. ClinVar contains an entry for this variant (Variation ID: 299524). Invitae Evidence Modeling of protein sequence and biophysical properties (such as structural, functional, and spatial information, amino acid conservation, physicochemical variation, residue mobility, and thermodynamic stability) indicates that this missense variant is not expected to disrupt CUBN protein function with a negative predictive value of 80%. Algorithms developed to predict the effect of sequence changes on RNA splicing suggest that this variant may create or strengthen a splice site. In summary, the available evidence is currently insufficient to determine the role of this variant in disease. Therefore, it has been classified as a Variant of Uncertain Significance.

Fulgent Genetics
Classification: Uncertain significance for Imerslund-Grasbeck syndrome type 1; Proteinuria, chronic benign. Last evaluated: 2024-01-04. Review status: criteria provided, single submitter. Criteria: ACMG Guidelines, 2015. Collection method: clinical testing. Allele origin: germline.

Illumina Laboratory Services, Illumina
Classification: Uncertain significance for Imerslund-Grasbeck syndrome type 1. Last evaluated: 2018-01-12. Review status: criteria provided, single submitter. Criteria: ICSL Variant Classification Criteria 13 December 2019. Collection method: clinical testing. Allele origin: germline.

Literature cited by the submitters: uncertain (cited by Clinical Genomics Laboratory, Washington University in St. Louis).